The following is an entry in ClinVar:

ClinVar aggregate classification (germline): Pathogenic (1 of 4 stars; one submission).

Conditions:
Deficiency of hydroxymethylglutaryl-CoA lyase (HMGCLD). Also called: Defect in leucine metabolism; 3-hydroxy-3-methylglutaric aciduria; HMGCL DEFICIENCY; HYDROXYMETHYLGLUTARIC ACIDURIA; HMG-CoA LYASE DEFICIENCY. Identifiers: Orphanet 20, MedGen C1533587, MONDO:0009520, OMIM 246450.

Submission:

Labcorp Genetics (formerly Invitae), Labcorp
Classification: Pathogenic for Deficiency of hydroxymethylglutaryl-CoA lyase. Last evaluated: 2023-09-21. Review status: criteria provided, single submitter. Criteria: Invitae Variant Classification Sherloc (09022015). Collection method: clinical testing. Allele origin: germline.
Comment: For these reasons, this variant has been classified as Pathogenic. This variant has not been reported in the literature in individuals affected with HMGCL-related conditions. This variant is a gross deletion of the genomic region encompassing exon(s) 5 of the HMGCL gene. This deletion is out-of-frame, and is expected to create a premature termination codon and result in an absent or disrupted protein product. Loss-of-function variants in HMGCL are known to be pathogenic (PMID: 9817922, 17692550, 23465862).

Literature cited by the submitters: PubMed 9817922; PubMed 17692550; PubMed 23465862.

NC_000001.10:g.(?_24140670)_(24140838_?)del

Gene: HMGCL (3-hydroxy-3-methylglutaryl-CoA lyase; minus strand). Cytogenetic location: 1p36.11.
Variant type: Deletion.
Identifiers: ClinVar variation 1458760 (VCV001458760.6).